The following is an entry in ClinVar:

NM_001203.3(BMPR1B):c.1012A>G (p.Ile338Val)

Gene: BMPR1B (bone morphogenetic protein receptor type 1B; plus strand). Cytogenetic location: 4q22.3.
Variant type: single nucleotide variant.
Coding change: c.1012A>G on transcript NM_001203.3 (MANE Select); coding-DNA position 1012, A replaced by G.
Protein change: p.Ile338Val; replaces isoleucine 338 with valine.
Molecular consequence: missense variant.
Genome position (GRCh38, 1-based): chr4:95,131,448, A>G. VCF-style: chr4-95131448-A-G. GRCh37 (hg19) VCF-style: chr4-96052599-A-G.
Other names: c.1012A>G, p.Ile338Val (NM_001256792.2, NM_001256794.1); c.1102A>G, p.Ile368Val (NM_001256793.2); c.1012A>G (NM_001203.2); short protein forms I338V, I368V.
Identifiers: ClinVar variation 2927199 (VCV002927199.5), dbSNP rs1167826885, ClinGen allele CA357682563.
Genomic context (GRCh38, chr4:95,131,448, plus strand): 5'-GAAATCTTTAGTACTCAAGGCAAACCAGCAATTGCCCATCGAGATCTGAAAAGTAAAAAC[A>G]TTCTGGTGAAGAAAAATGGAACTTGCTGTATTGCTGACCTGGGCCTGGCTGTTAAATTTA-3'
Protein context (NP_001194.1, residues 328-348): IAHRDLKSKN[Ile338Val]LVKKNGTCCI

ClinVar aggregate classification (germline): Uncertain significance. Review status: criteria provided, single submitter (1 of 4 stars). 2 submissions from 2 submitters: Uncertain significance (1). 1 of the submissions does not count toward it. Last evaluated 2023-07-25.

Conditions:
BMPR1B-related disorder. Also called: BMPR1B-related condition.
Type A2 brachydactyly (BDA2). Also called: MOHR-WRIEDT TYPE BRACHYDACTYLY; Brachymesophalangy type 2; BRACHYMESOPHALANGY II. Identifiers: Orphanet 93396, MedGen C1832702, MONDO:0007216, OMIM 112600, HP:0009372.
Acromesomelic dysplasia 3 (AMD3). Also called: CHONDRODYSPLASIA, ACROMESOMELIC, WITH OR WITHOUT GENITAL ANOMALIES; Acromesomelic dysplasia, Demirhan type. Identifiers: MedGen C4225404, MONDO:0012274, OMIM 609441.

Allele frequency attached by ClinVar (database versions not stated): TOPMed 0.00001.
gnomAD v4.1: 3 of 1,614,102 alleles (0.00019%); highest among the groups gnomAD compares: Non-Finnish European, 0.00025%; no homozygotes.

Submissions (2):

Labcorp Genetics (formerly Invitae), Labcorp
Classification: Uncertain significance for Type A2 brachydactyly; Acromesomelic dysplasia 3. Last evaluated: 2023-07-25. Review status: criteria provided, single submitter. Criteria: Invitae Variant Classification Sherloc (09022015). Collection method: clinical testing. Allele origin: germline.
Comment: This variant is not present in population databases (gnomAD no frequency). This sequence change replaces isoleucine, which is neutral and non-polar, with valine, which is neutral and non-polar, at codon 338 of the BMPR1B protein (p.Ile338Val). This variant has not been reported in the literature in individuals affected with BMPR1B-related conditions. Advanced modeling of protein sequence and biophysical properties (such as structural, functional, and spatial information, amino acid conservation, physicochemical variation, residue mobility, and thermodynamic stability) performed at Invitae indicates that this missense variant is not expected to disrupt BMPR1B protein function. In summary, the available evidence is currently insufficient to determine the role of this variant in disease. Therefore, it has been classified as a Variant of Uncertain Significance.

PreventionGenetics, part of Exact Sciences
Classification: Uncertain significance for BMPR1B-related condition. Last evaluated: 2023-10-25. Review status: no assertion criteria provided. Collection method: clinical testing. Allele origin: germline. Not counted in ClinVar's aggregate classification.
Comment: The BMPR1B c.1012A>G variant is predicted to result in the amino acid substitution p.Ile338Val. To our knowledge, this variant has not been reported in the literature or in a large population database, indicating this variant is rare. At this time, the clinical significance of this variant is uncertain due to the absence of conclusive functional and genetic evidence.